The following is an entry in ClinVar:

NM_006005.3(WFS1):c.2315G>A (p.Arg772His)

Gene: WFS1 (wolframin ER transmembrane glycoprotein; plus strand). Cytogenetic location: 4p16.1.
Variant type: single nucleotide variant.
Coding change: c.2315G>A on transcript NM_006005.3 (MANE Select); coding-DNA position 2315, G replaced by A.
Protein change: p.Arg772His; replaces arginine 772 with histidine.
Molecular consequence: missense variant.
Genome position (GRCh38, 1-based): chr4:6,302,110, G>A. VCF-style: chr4-6302110-G-A. GRCh37 (hg19) VCF-style: chr4-6303837-G-A.
Other names: DFNA6; c.2315G>A, p.Arg772His (NM_001145853.1); short protein forms R772H.
Identifiers: ClinVar variation 1405243 (VCV001405243.9), dbSNP rs758646445, ClinGen allele CA2839683.
Genomic context (GRCh38, chr4:6,302,110, plus strand): 5'-AGGAGCTCTGTCGCCTTAAGCTGCTGGCCAAGCACCCCTGCCACATCAAGAAGTTCGACC[G>A]CTACAAGTTTGAGATTACCGTGGGCATGCCATTCAGCAGCGGCGCTGACGGCTCGCGCAG-3'
Protein context (NP_005996.2, residues 762-782): KHPCHIKKFD[Arg772His]YKFEITVGMP

ClinVar aggregate classification (germline): Uncertain significance. Review status: criteria provided, multiple submitters, no conflicts (2 of 4 stars). 4 submissions from 4 submitters: Uncertain significance (4). Last evaluated 2026-01-12.

Conditions:
Autosomal dominant nonsyndromic hearing loss 6 (LFSNHL). Also called: DEAFNESS, AUTOSOMAL DOMINANT 6; DEAFNESS, AUTOSOMAL DOMINANT 14; DEAFNESS, AUTOSOMAL DOMINANT 38; Autosomal dominant nonsyndromic deafness 6. Identifiers: Orphanet 90635, MedGen C1833021, MONDO:0010963, OMIM 600965.
Cataract 41 (CTRCT41). Also called: CATARACT 41, CONGENITAL NUCLEAR TYPE. Identifiers: Orphanet 91492, Orphanet 98991, Orphanet 98992, Orphanet 98995, MedGen C3805412, MONDO:0007287, OMIM 116400.
Wolfram syndrome 1 (WFS1). Identifiers: Orphanet 3463, MedGen C4551693, MONDO:0009101, OMIM 222300.
Wolfram-like syndrome. Also called: HEARING LOSS, PROGRESSIVE, WITH OPTIC ATROPHY AND/OR IMPAIRED GLUCOSE REGULATION. Identifiers: Orphanet 411590, MedGen C3280358, MONDO:0013673, OMIM 614296.
Type 2 diabetes mellitus. Also called: Type II diabetes mellitus. Identifiers: MedGen C0011860, MeSH D003924, MONDO:0005148, OMIM 125853, HP:0005978.

gnomAD v4.1: 25 of 1,612,922 alleles (0.0015%); highest among the groups gnomAD compares: South Asian, 0.021%; no homozygotes.

Submissions (4):

Labcorp Genetics (formerly Invitae), Labcorp
Classification: Uncertain significance. Last evaluated: 2026-01-12. Review status: criteria provided, single submitter. Criteria: Invitae Variant Classification Sherloc (09022015). Collection method: clinical testing. Allele origin: germline.
Comment: This sequence change replaces arginine, which is basic and polar, with histidine, which is basic and polar, at codon 772 of the WFS1 protein (p.Arg772His). This variant is present in population databases (rs758646445, gnomAD 0.01%). This variant has not been reported in the literature in individuals affected with WFS1-related conditions. ClinVar contains an entry for this variant (Variation ID: 1405243). Invitae Evidence Modeling of protein sequence and biophysical properties (such as structural, functional, and spatial information, amino acid conservation, physicochemical variation, residue mobility, and thermodynamic stability) has been performed for this missense variant. However, the output from this modeling did not meet the statistical confidence thresholds required to predict the impact of this variant on WFS1 protein function. In summary, the available evidence is currently insufficient to determine the role of this variant in disease. Therefore, it has been classified as a Variant of Uncertain Significance.

Laboratory of Prof. Karen Avraham, Tel Aviv University
Classification: Uncertain significance for Autosomal dominant nonsyndromic hearing loss 6. Last evaluated: 2024-12-26. Review status: criteria provided, single submitter. Criteria: ACMG Guidelines, 2015. Collection method: research. Allele origin: germline. Affected: yes. Observed: 1 variant allele.
Comment: The WFS1 c.2315G>A:p.(Arg772His) variant is extremely rare and predicted deleterious.

GeneDx
Classification: Uncertain significance. Last evaluated: 2023-06-23. Review status: criteria provided, single submitter. Criteria: GeneDx Variant Classification Process June 2021. Collection method: clinical testing. Allele origin: germline. Affected: yes.
Comment: In silico analysis supports that this missense variant does not alter protein structure/function; Has not been previously published as pathogenic or benign to our knowledge

Fulgent Genetics
Classification: Uncertain significance for Cataract 41; Type 2 diabetes mellitus; Wolfram syndrome 1; Autosomal dominant nonsyndromic hearing loss 6; Wolfram-like syndrome. Last evaluated: 2022-05-25. Review status: criteria provided, single submitter. Criteria: ACMG Guidelines, 2015. Collection method: clinical testing. Allele origin: unknown.